The following is an entry in ClinVar:

ClinVar aggregate classification (germline): Uncertain significance (1 of 4 stars; one submission).

Allele frequency attached by ClinVar (database versions not stated): TOPMed 0.00003; ExAC 0.00001; ESP Exome Variant Server 0.00008; gnomAD exomes 0.00009; gnomAD 0.00005.
gnomAD v4.1: 133 of 1,608,046 alleles (0.0083%); highest among the groups gnomAD compares: Non-Finnish European, 0.011%; no homozygotes.

Submission:

Labcorp Genetics (formerly Invitae), Labcorp
Classification: Uncertain significance. Last evaluated: 2024-09-29. Review status: criteria provided, single submitter. Criteria: Invitae Variant Classification Sherloc (09022015). Collection method: clinical testing. Allele origin: germline.
Comment: This sequence change replaces histidine, which is basic and polar, with tyrosine, which is neutral and polar, at codon 632 of the ABCD3 protein (p.His632Tyr). This variant is present in population databases (rs149215654, gnomAD 0.003%). This variant has not been reported in the literature in individuals affected with ABCD3-related conditions. ClinVar contains an entry for this variant (Variation ID: 2066120). An algorithm developed to predict the effect of missense changes on protein structure and function (PolyPhen-2) suggests that this variant is likely to be tolerated. In summary, the available evidence is currently insufficient to determine the role of this variant in disease. Therefore, it has been classified as a Variant of Uncertain Significance.

NM_002858.4(ABCD3):c.1894C>T (p.His632Tyr)

Gene: ABCD3 (ATP binding cassette subfamily D member 3; plus strand). Cytogenetic location: 1p21.3.
Variant type: single nucleotide variant.
Coding change: c.1894C>T on transcript NM_002858.4 (MANE Select); coding-DNA position 1894, C replaced by T.
Protein change: p.His632Tyr; replaces histidine 632 with tyrosine.
Molecular consequence: missense variant.
Genome position (GRCh38, 1-based): chr1:94,515,194, C>T. VCF-style: chr1-94515194-C-T. GRCh37 (hg19) VCF-style: chr1-94980750-C-T.
Other names: short protein forms H632Y.
Identifiers: ClinVar variation 2066120 (VCV002066120.4), dbSNP rs149215654, ClinGen allele CA960592.